The following is an entry in ClinVar:

NM_004371.4(COPA):c.2522G>A (p.Gly841Asp)

Gene: COPA (coat protein complex I subunit alpha; minus strand). Cytogenetic location: 1q23.2.
Variant type: single nucleotide variant.
Coding change: c.2522G>A on transcript NM_004371.4 (MANE Select); coding-DNA position 2522, G replaced by A.
Protein change: p.Gly841Asp; replaces glycine 841 with aspartic acid.
Molecular consequence: missense variant.
Genome position (GRCh38, 1-based): chr1:160,294,812, C>T on the plus strand (G>A on the coding strand, the complement: COPA is on the minus strand). VCF-style: chr1-160294812-C-T. GRCh37 (hg19) VCF-style: chr1-160264602-C-T.
Other names: c.2549G>A, p.Gly850Asp (NM_001098398.2); short protein forms G841D, G850D.
Identifiers: ClinVar variation 2087707 (VCV002087707.4), dbSNP rs2525357454, ClinGen allele CA343275991.

ClinVar aggregate classification (germline): Uncertain significance (1 of 4 stars; one submission).

Conditions:
Autoimmune interstitial lung disease-arthritis syndrome. Also called: Autoinflammation and autoimmunity, systemic, with immune dysregulation. Identifiers: Orphanet 444092, MedGen C5975714, MONDO:0014629.

gnomAD v4.1: 1 of 1,614,118 alleles (0.000062%); highest among the groups gnomAD compares: South Asian, 0.0011%; no homozygotes.

Submission:

Labcorp Genetics (formerly Invitae), Labcorp
Classification: Uncertain significance for Autoimmune interstitial lung disease-arthritis syndrome. Last evaluated: 2022-03-30. Review status: criteria provided, single submitter. Criteria: Invitae Variant Classification Sherloc (09022015). Collection method: clinical testing. Allele origin: germline.
Comment: In summary, the available evidence is currently insufficient to determine the role of this variant in disease. Therefore, it has been classified as a Variant of Uncertain Significance. Advanced modeling of protein sequence and biophysical properties (such as structural, functional, and spatial information, amino acid conservation, physicochemical variation, residue mobility, and thermodynamic stability) performed at Invitae indicates that this missense variant is not expected to disrupt COPA protein function. This variant has not been reported in the literature in individuals affected with COPA-related conditions. This variant is not present in population databases (gnomAD no frequency). This sequence change replaces glycine, which is neutral and non-polar, with aspartic acid, which is acidic and polar, at codon 841 of the COPA protein (p.Gly841Asp).